The following is an entry in ClinVar:

ClinVar aggregate classification (germline): Uncertain significance (1 of 4 stars; one submission).

Conditions:
Neuropathy, hereditary sensory and autonomic, type 2A (HSAN2A). Also called: ACROOSTEOLYSIS, GIACCAI TYPE; ACROOSTEOLYSIS, NEUROGENIC; MORVAN DISEASE; NEUROPATHY, CONGENITAL SENSORY; NEUROPATHY, HEREDITARY SENSORY RADICULAR, AUTOSOMAL RECESSIVE; NEUROPATHY, HEREDITARY SENSORY, TYPE IIA. Identifiers: Orphanet 970, MedGen C2752089, MONDO:0024309, OMIM 201300.
Pseudohypoaldosteronism type 2C (PHA2C). Also called: Pseudohypoaldosteronism Type IIC. Identifiers: Orphanet 757, Orphanet 88940, MedGen C1840391, MONDO:0013778, OMIM 614492.

Allele frequency attached by ClinVar (database versions not stated): gnomAD 0.00001; TOPMed 0.00002.
gnomAD v4.1: 2 of 1,614,078 alleles (0.00012%); highest among the groups gnomAD compares: African/African-American, 0.0027%; no homozygotes.

Submission:

Labcorp Genetics (formerly Invitae), Labcorp
Classification: Uncertain significance for Neuropathy, hereditary sensory and autonomic, type 2A; Pseudohypoaldosteronism type 2C. Last evaluated: 2022-06-13. Review status: criteria provided, single submitter. Criteria: Invitae Variant Classification Sherloc (09022015). Collection method: clinical testing. Allele origin: germline.
Comment: In summary, the available evidence is currently insufficient to determine the role of this variant in disease. Therefore, it has been classified as a Variant of Uncertain Significance. Advanced modeling of protein sequence and biophysical properties (such as structural, functional, and spatial information, amino acid conservation, physicochemical variation, residue mobility, and thermodynamic stability) performed at Invitae indicates that this missense variant is not expected to disrupt WNK1 protein function. This variant has not been reported in the literature in individuals affected with WNK1-related conditions. This variant is not present in population databases (gnomAD no frequency). This sequence change replaces serine, which is neutral and polar, with asparagine, which is neutral and polar, at codon 2176 of the WNK1 protein (p.Ser2176Asn).

NM_018979.4(WNK1):c.5771G>A (p.Ser1924Asn)

Gene: WNK1 (WNK lysine deficient protein kinase 1; plus strand). Cytogenetic location: 12p13.33.
Variant type: single nucleotide variant.
Coding change: c.5771G>A on transcript NM_018979.4 (MANE Select); coding-DNA position 5771, G replaced by A.
Protein change: p.Ser1924Asn; replaces serine 1924 with asparagine.
Molecular consequence: missense variant.
Genome position (GRCh38, 1-based): chr12:896,258, G>A. VCF-style: chr12-896258-G-A. GRCh37 (hg19) VCF-style: chr12-1005424-G-A.
Other names: c.6551G>A, p.Ser2184Asn (NM_001184985.2); c.5027G>A, p.Ser1676Asn (NM_014823.3); c.6527G>A, p.Ser2176Asn (NM_213655.5); short protein forms S1924N, S2176N, S1676N, S2184N.
Identifiers: ClinVar variation 1368418 (VCV001368418.9), dbSNP rs1246901757, ClinGen allele CA383335135.